The following is an entry in ClinVar:

NM_004055.5(CAPN5):c.143C>T (p.Ala48Val)

Gene: CAPN5 (calpain 5; plus strand). Cytogenetic location: 11q13.5.
Variant type: single nucleotide variant.
Coding change: c.143C>T on transcript NM_004055.5 (MANE Select); coding-DNA position 143, C replaced by T.
Protein change: p.Ala48Val; replaces alanine 48 with valine.
Molecular consequence: missense variant. On other transcripts: non-coding transcript variant (1).
Genome position (GRCh38, 1-based): chr11:77,085,029, C>T. VCF-style: chr11-77085029-C-T. GRCh37 (hg19) VCF-style: chr11-76796075-C-T.
Other names: c.143C>T, p.Ala48Val (NM_001425321.1, NM_001425322.1, NM_001425323.1); short protein forms A48V.
Identifiers: ClinVar variation 4691846 (VCV004691846.1).

ClinVar aggregate classification (germline): Uncertain significance (1 of 4 stars; one submission).

gnomAD v4.1: 19 of 1,613,484 alleles (0.0012%); highest among the groups gnomAD compares: East Asian, 0.0067%; no homozygotes.

Submission:

Labcorp Genetics (formerly Invitae), Labcorp
Classification: Uncertain significance. Last evaluated: 2025-11-22. Review status: criteria provided, single submitter. Criteria: Invitae Variant Classification Sherloc (09022015). Collection method: clinical testing. Allele origin: germline.
Comment: This sequence change replaces alanine, which is neutral and non-polar, with valine, which is neutral and non-polar, at codon 48 of the CAPN5 protein (p.Ala48Val). This variant is present in population databases (no rsID available, gnomAD 0.0009%). This variant has not been reported in the literature in individuals affected with CAPN5-related conditions. Invitae Evidence Modeling of protein sequence and biophysical properties (such as structural, functional, and spatial information, amino acid conservation, physicochemical variation, residue mobility, and thermodynamic stability) indicates that this missense variant is not expected to disrupt CAPN5 protein function with a negative predictive value of 80%. In summary, the available evidence is currently insufficient to determine the role of this variant in disease. Therefore, it has been classified as a Variant of Uncertain Significance.